The following is an entry in ClinVar:

NM_022132.5(MCCC2):c.1574+6G>C

Gene: MCCC2 (methylcrotonyl-CoA carboxylase subunit 2; plus strand). Cytogenetic location: 5q13.2.
Variant type: single nucleotide variant.
Coding change: c.1574+6G>C on transcript NM_022132.5 (MANE Select); 6 bases into the intron after coding-DNA position 1574, G replaced by C.
Molecular consequence: intron variant.
Genome position (GRCh38, 1-based): chr5:71,652,760, G>C. VCF-style: chr5-71652760-G-C. GRCh37 (hg19) VCF-style: chr5-70948587-G-C.
Other names: c.1460+6G>C (NM_001363147.1).
Identifiers: ClinVar variation 512467 (VCV000512467.1), dbSNP rs1554138717, ClinGen allele CA658796533.

ClinVar aggregate classification (germline): Likely benign (1 of 4 stars; one submission).

gnomAD v4.1: 1 of 1,612,946 alleles (0.000062%); no homozygotes.

Submission:

GeneDx
Classification: Likely benign. Last evaluated: 2017-10-17. Review status: criteria provided, single submitter. Criteria: GeneDx Variant Classification (06012015). Collection method: clinical testing. Allele origin: germline. Affected: yes.
Comment: This variant is considered likely benign or benign based on one or more of the following criteria: it is a conservative change, it occurs at a poorly conserved position in the protein, it is predicted to be benign by multiple in silico algorithms, and/or has population frequency not consistent with disease.